The following is an entry in ClinVar:

NM_000046.5(ARSB):c.73C>T (p.Pro25Ser)

Genes: ARSB (arylsulfatase B; minus strand), LOC129994126 (ATAC-STARR-seq lymphoblastoid silent region 16127; plus strand). Cytogenetic location: 5q14.1.
Variant type: single nucleotide variant.
Coding change: c.73C>T on transcript NM_000046.5 (MANE Select); coding-DNA position 73, C replaced by T.
Protein change: p.Pro25Ser; replaces proline 25 with serine.
Molecular consequence: missense variant.
Genome position (GRCh38, 1-based): chr5:78,985,176, G>A on the plus strand (C>T on the coding strand, the complement: ARSB is on the minus strand). VCF-style: chr5-78985176-G-A. GRCh37 (hg19) VCF-style: chr5-78280999-G-A.
Other names: c.73C>T, p.Pro25Ser (NM_198709.3); short protein forms P25S.
Identifiers: ClinVar variation 4988626 (VCV004988626.1).
Genomic context (GRCh38, chr5:78,985,176, plus strand): 5'-GCGGCCGGCTGGCCCCGGCGCCCGAGCCCGGCGGCGCCAACAACAGCAGCAGCAGCAGCG[G>A]GAGGACGACGGGGAGGAGCAGCCGCCGAGGTCCGGGGCCTCGGGGCAAGCTCGCCGCGCC-3'
Protein context (NP_000037.2, residues 15-35): PRRLLLPVVL[Pro25Ser]LLLLLLLAPP

ClinVar aggregate classification (germline): Uncertain significance (1 of 4 stars; one submission).

Conditions:
ARSB-related disorder. Also called: ARSB-related condition.

Submission:

PreventionGenetics, part of Exact Sciences
Classification: Uncertain significance for ARSB-related condition. Last evaluated: 2025-07-29. Review status: criteria provided, single submitter. Criteria: ACMG Guidelines, 2015. Collection method: clinical testing. Allele origin: germline.
Comment: The ARSB c.73C>T variant is predicted to result in the amino acid substitution p.Pro25Ser. To our knowledge, this variant has not been reported in the literature or in a large population database (gnomAD), indicating this variant is rare. At this time, the clinical significance of this variant is uncertain due to the absence of conclusive functional and genetic evidence.